The following is an entry in ClinVar:

NM_030930.4(UNC93B1):c.170G>T (p.Arg57Leu)

Genes: UNC93B1 (unc-93B1 regulator of TLR signaling; minus strand), LOC130006235 (ATAC-STARR-seq lymphoblastoid silent region 3653; plus strand). Cytogenetic location: 11q13.2.
Variant type: single nucleotide variant.
Coding change: c.170G>T on transcript NM_030930.4 (MANE Select); coding-DNA position 170, G replaced by T.
Protein change: p.Arg57Leu; replaces arginine 57 with leucine.
Molecular consequence: missense variant.
Genome position (GRCh38, 1-based): chr11:68,003,725, C>A on the plus strand (G>T on the coding strand, the complement: UNC93B1 is on the minus strand). VCF-style: chr11-68003725-C-A. GRCh37 (hg19) VCF-style: chr11-67771195-C-A.
Other names: short protein forms R57L.
Identifiers: ClinVar variation 2070300 (VCV002070300.4), dbSNP rs965068960, ClinGen allele CA381579105.

ClinVar aggregate classification (germline): Uncertain significance (1 of 4 stars; one submission).

Conditions:
Encephalopathy, acute, infection-induced (herpes-specific), susceptibility to, 1. Also called: Herpes simplex encephalitis, susceptibility to, 1. Identifiers: Orphanet 1930, MedGen C2750180, MONDO:0024563, OMIM 610551.

gnomAD v4.1: 1 of 1,527,248 alleles (0.000065%); highest among the groups gnomAD compares: Non-Finnish European, 0.000088%; no homozygotes.

Submission:

Labcorp Genetics (formerly Invitae), Labcorp
Classification: Uncertain significance for Encephalopathy, acute, infection-induced (herpes-specific), susceptibility to, 1. Last evaluated: 2022-06-14. Review status: criteria provided, single submitter. Criteria: Invitae Variant Classification Sherloc (09022015). Collection method: clinical testing. Allele origin: germline.
Comment: This sequence change replaces arginine, which is basic and polar, with leucine, which is neutral and non-polar, at codon 57 of the UNC93B1 protein (p.Arg57Leu). This variant is not present in population databases (gnomAD no frequency). In summary, the available evidence is currently insufficient to determine the role of this variant in disease. Therefore, it has been classified as a Variant of Uncertain Significance. Experimental studies and prediction algorithms are not available or were not evaluated, and the functional significance of this variant is currently unknown. This variant has not been reported in the literature in individuals affected with UNC93B1-related conditions.